The following is an entry in ClinVar:

NM_002519.3(NPAT):c.3440A>G (p.Glu1147Gly)

Gene: NPAT (nuclear protein, coactivator of histone transcription; minus strand). Cytogenetic location: 11q22.3.
Variant type: single nucleotide variant.
Coding change: c.3440A>G on transcript NM_002519.3 (MANE Select); coding-DNA position 3440, A replaced by G.
Protein change: p.Glu1147Gly; replaces glutamic acid 1147 with glycine.
Molecular consequence: missense variant.
Genome position (GRCh38, 1-based): chr11:108,161,646, T>C on the plus strand (A>G on the coding strand, the complement: NPAT is on the minus strand). VCF-style: chr11-108161646-T-C. GRCh37 (hg19) VCF-style: chr11-108032373-T-C.
Other names: c.3461A>G, p.Glu1154Gly (NM_001321307.1); short protein forms E1147G, E1154G.
Identifiers: ClinVar variation 2568015 (VCV002568015.2), dbSNP rs2496695987, ClinGen allele CA382510809.

ClinVar aggregate classification (germline): Uncertain significance (1 of 4 stars; one submission).

Submission:

Ambry Genetics
Classification: Uncertain significance. Last evaluated: 2023-05-25. Review status: criteria provided, single submitter. Criteria: Ambry Variant Classification Scheme 2023. Collection method: clinical testing. Allele origin: germline.
Comment: The p.E1147G variant (also known as c.3440A>G), located in coding exon 17 of the NPAT gene, results from an A to G substitution at nucleotide position 3440. The glutamic acid at codon 1147 is replaced by glycine, an amino acid with similar properties. This amino acid position is conserved. In addition, this alteration is predicted to be tolerated by in silico analysis. Since supporting evidence is limited at this time, the clinical significance of this alteration remains unclear.